The following is an entry in ClinVar:

NM_198578.4(LRRK2):c.4348G>A (p.Val1450Ile)

Gene: LRRK2 (leucine rich repeat kinase 2; plus strand). Cytogenetic location: 12q12.
Variant type: single nucleotide variant.
Coding change: c.4348G>A on transcript NM_198578.4 (MANE Select); coding-DNA position 4348, G replaced by A.
Protein change: p.Val1450Ile; replaces valine 1450 with isoleucine.
Molecular consequence: missense variant.
Genome position (GRCh38, 1-based): chr12:40,310,461, G>A. VCF-style: chr12-40310461-G-A. GRCh37 (hg19) VCF-style: chr12-40704263-G-A.
Other names: short protein forms V1450I.
Identifiers: ClinVar variation 39187 (VCV000039187.9), dbSNP rs111501952, ClinGen allele CA343585.

ClinVar aggregate classification (germline): Uncertain significance. Review status: criteria provided, single submitter (1 of 4 stars). 2 submissions from 2 submitters: Uncertain significance (1). 1 of the submissions does not count toward it. Last evaluated 2021-11-24.

Conditions:
Autosomal dominant Parkinson disease 8. Also called: Parkinson disease 8, susceptibility to; LRRK2-Related Parkinson Disease; Parkinson disease 8. Identifiers: Orphanet 411602, MedGen C1846862, MONDO:0011764, OMIM 607060.

Allele frequency attached by ClinVar (database versions not stated): TOPMed 0.00006; ExAC 0.00007; gnomAD exomes 0.00004; gnomAD 0.00008 and 0.00007; 1000 Genomes Project 0.00020; ESP Exome Variant Server 0.00015; 1000 Genomes Project 30x 0.00016.
gnomAD v4.1: 104 of 1,612,826 alleles (0.0064%); highest among the groups gnomAD compares: East Asian, 0.047%; no homozygotes.

Submissions (2):

Labcorp Genetics (formerly Invitae), Labcorp
Classification: Uncertain significance for Autosomal dominant Parkinson disease 8. Last evaluated: 2021-11-24. Review status: criteria provided, single submitter. Criteria: Invitae Variant Classification Sherloc (09022015). Collection method: clinical testing. Allele origin: germline.
Comment: In summary, the available evidence is currently insufficient to determine the role of this variant in disease. Therefore, it has been classified as a Variant of Uncertain Significance. Algorithms developed to predict the effect of missense changes on protein structure and function output the following: SIFT: "Tolerated"; PolyPhen-2: "Benign"; Align-GVGD: "Class C0". The isoleucine amino acid residue is found in multiple mammalian species, which suggests that this missense change does not adversely affect protein function. ClinVar contains an entry for this variant (Variation ID: 39187). This missense change has been observed in individual(s) with clinical features of LRRK2-related conditions (PMID: 21885347, 23124679, 24565865, 32398759). This variant is present in population databases (rs111501952, gnomAD 0.07%), and has an allele count higher than expected for a pathogenic variant. This sequence change replaces valine, which is neutral and non-polar, with isoleucine, which is neutral and non-polar, at codon 1450 of the LRRK2 protein (p.Val1450Ile).

GeneReviews
No classification provided. Condition: Autosomal dominant Parkinson disease 8. Review status: no classification provided. Collection method: literature only. Allele origin: unknown. Not counted in ClinVar's aggregate classification.

Literature cited by the submitters: PubMed 21885347 (cited by Labcorp Genetics (formerly Invitae), Labcorp); PubMed 23124679 (cited by Labcorp Genetics (formerly Invitae), Labcorp); PubMed 24565865 (cited by Labcorp Genetics (formerly Invitae), Labcorp); PubMed 32398759 (cited by Labcorp Genetics (formerly Invitae), Labcorp); PubMed 20301387 (cited by GeneReviews); NCBI Bookshelf NBK1208 (cited by GeneReviews).